The following is an entry in ClinVar:

NM_002485.5(NBN):c.2098C>G (p.Pro700Ala)

Gene: NBN (nibrin; minus strand). Cytogenetic location: 8q21.3.
Variant type: single nucleotide variant.
Coding change: c.2098C>G on transcript NM_002485.5 (MANE Select); coding-DNA position 2098, C replaced by G.
Protein change: p.Pro700Ala; replaces proline 700 with alanine.
Molecular consequence: missense variant.
Genome position (GRCh38, 1-based): chr8:89,943,339, G>C on the plus strand (C>G on the coding strand, the complement: NBN is on the minus strand). VCF-style: chr8-89943339-G-C. GRCh37 (hg19) VCF-style: chr8-90955567-G-C.
Other names: c.1852C>G, p.Pro618Ala (NM_001024688.3, NM_001440379.1, NM_001440380.1); short protein forms P618A, P700A.
Identifiers: ClinVar variation 4860764 (VCV004860764.1).

ClinVar aggregate classification (germline): Uncertain significance (1 of 4 stars; one submission).

Conditions:
Hereditary cancer-predisposing syndrome. Also called: Neoplastic Syndromes, Hereditary; Tumor predisposition; Hereditary Cancer Syndrome; Hereditary neoplastic syndrome. Identifiers: Orphanet 140162, MedGen C0027672, MeSH D009386, MONDO:0015356.

Submission:

Ambry Genetics
Classification: Uncertain significance for Hereditary cancer-predisposing syndrome. Last evaluated: 2026-06-09. Review status: criteria provided, single submitter. Criteria: Ambry Variant Classification Scheme 2023. Collection method: clinical testing. Allele origin: germline.
Comment: The p.P700A variant (also known as c.2098C>G), located in coding exon 14 of the NBN gene, results from a C to G substitution at nucleotide position 2098. The proline at codon 700 is replaced by alanine, an amino acid with highly similar properties. This amino acid position is conserved. In addition, the in silico prediction for this alteration is inconclusive. Based on the available evidence, the clinical significance of this variant remains unclear.